The following is an entry in ClinVar:

ClinVar aggregate classification (germline): Uncertain significance (1 of 4 stars; one submission).

Submission:

Ambry Genetics
Classification: Uncertain significance. Last evaluated: 2021-06-28. Review status: criteria provided, single submitter. Criteria: Ambry Variant Classification Scheme 2023. Collection method: clinical testing. Allele origin: germline.
Comment: The p.A380S variant (also known as c.1138G>T), located in coding exon 3 of the TERF2IP gene, results from a G to T substitution at nucleotide position 1138. The alanine at codon 380 is replaced by serine, an amino acid with similar properties. This amino acid position is conserved. In addition, this alteration is predicted to be tolerated by in silico analysis. Since supporting evidence is limited at this time, the clinical significance of this alteration remains unclear.

NM_018975.4(TERF2IP):c.1138G>T (p.Ala380Ser)

Gene: TERF2IP (TERF2 interacting protein; plus strand). Cytogenetic location: 16q23.1.
Variant type: single nucleotide variant.
Coding change: c.1138G>T on transcript NM_018975.4 (MANE Select); coding-DNA position 1138, G replaced by T.
Protein change: p.Ala380Ser; replaces alanine 380 with serine.
Molecular consequence: missense variant. On other transcripts: non-coding transcript variant (1).
Genome position (GRCh38, 1-based): chr16:75,656,549, G>T. VCF-style: chr16-75656549-G-T. GRCh37 (hg19) VCF-style: chr16-75690447-G-T.
Other names: short protein forms A380S.
Identifiers: ClinVar variation 1730449 (VCV001730449.2), dbSNP rs891866868, ClinGen allele CA396820345.
Genomic context (GRCh38, chr16:75,656,549, plus strand): 5'-CCCATTTGGTCCCGACAAGATGACATAGATTTGCAAAAAGATGATGAGGATACCAGAGAG[G>T]CATTGGTCAAAAAATTTGGTGCTCAGAATGTAGCTCGGAGGATTGAATTTCGAAAGAAAT-3'
Protein context (NP_061848.2, residues 370-390): LQKDDEDTRE[Ala380Ser]LVKKFGAQNV